The following is an entry in ClinVar:

NM_033118.4(MYLK2):c.1043C>G (p.Ala348Gly)

Gene: MYLK2 (myosin light chain kinase 2; plus strand). Cytogenetic location: 20q11.21.
Variant type: single nucleotide variant.
Coding change: c.1043C>G on transcript NM_033118.4 (MANE Select); coding-DNA position 1043, C replaced by G.
Protein change: p.Ala348Gly; replaces alanine 348 with glycine.
Molecular consequence: missense variant.
Genome position (GRCh38, 1-based): chr20:31,826,675, C>G. VCF-style: chr20-31826675-C-G. GRCh37 (hg19) VCF-style: chr20-30414478-C-G.
Other names: short protein forms A348G.
Identifiers: ClinVar variation 4883738 (VCV004883738.2).

ClinVar aggregate classification (germline): Uncertain significance (1 of 4 stars; one submission).

Submission:

Dasa
Classification: Uncertain significance. Last evaluated: 2026-03-06. Review status: criteria provided, single submitter. Criteria: DASA Assertion Criteria. Collection method: clinical testing. Allele origin: germline.
Comment: NM_033118.4(MYLK2):c.1043C>G (p.Ala348Gly) is a missense variant that results in the substitution of alanine with glycine. This variant is rare in population databases. The currently available literature and clinical evidence are not sufficient to establish a definitive association between this variant and the reported condition. Therefore, this variant is classified as a variant of uncertain significance.